The following is an entry in ClinVar:

ClinVar aggregate classification (germline): Uncertain significance (1 of 4 stars; one submission).

gnomAD v4.1: 25 of 1,572,728 alleles (0.0016%); highest among the groups gnomAD compares: Non-Finnish European, 0.0021%; no homozygotes.

Submission:

CeGaT Center for Human Genetics Tuebingen
Classification: Uncertain significance. Last evaluated: 2024-08-01. Review status: criteria provided, single submitter. Criteria: CeGaT Center For Human Genetics Tuebingen Variant Classification Criteria Version 2. Collection method: clinical testing. Allele origin: germline. Affected: yes. Observed: 1 variant allele.
Comment: EYS: PM2, BP4

NM_001142800.2(EYS):c.1201A>G (p.Thr401Ala)

Gene: EYS (EGF-like photoreceptor maintenance factor; minus strand). Cytogenetic location: 6q12.
Variant type: single nucleotide variant.
Coding change: c.1201A>G on transcript NM_001142800.2 (MANE Select); coding-DNA position 1201, A replaced by G.
Protein change: p.Thr401Ala; replaces threonine 401 with alanine.
Molecular consequence: missense variant.
Genome position (GRCh38, 1-based): chr6:65,384,484, T>C on the plus strand (A>G on the coding strand, the complement: EYS is on the minus strand). VCF-style: chr6-65384484-T-C. GRCh37 (hg19) VCF-style: chr6-66094377-T-C.
Other names: c.1201A>G, p.Thr401Ala (NM_001142801.2, NM_001292009.2, NM_198283.2); short protein forms T401A.
Identifiers: ClinVar variation 3342103 (VCV003342103.16).